The following is an entry in ClinVar:

ClinVar aggregate classification (germline): Uncertain significance (1 of 4 stars; one submission).

Conditions:
Inborn genetic diseases. Identifiers: MedGen C0950123, MeSH D030342.

Allele frequency attached by ClinVar (database versions not stated): gnomAD exomes below 0.00001; TOPMed 0.00002.
gnomAD v4.1: 2 of 1,614,194 alleles (0.00012%); highest among the groups gnomAD compares: Non-Finnish European, 0.000085%; no homozygotes.

Submission:

Ambry Genetics
Classification: Uncertain significance for Inborn genetic diseases. Last evaluated: 2017-09-26. Review status: criteria provided, single submitter. Criteria: Ambry Variant Classification Scheme 2023. Collection method: clinical testing. Allele origin: germline.
Comment: The p.L542F variant (also known as c.1624C>T), located in coding exon 9 of the AP4B1 gene, results from a C to T substitution at nucleotide position 1624. The leucine at codon 542 is replaced by phenylalanine, an amino acid with highly similar properties. This amino acid position is highly conserved in available vertebrate species. In addition, this alteration is predicted to be tolerated by in silico analysis. Since supporting evidence is limited at this time, the clinical significance of this alteration remains unclear.

NM_001253852.3(AP4B1):c.1624C>T (p.Leu542Phe)

Genes: AP4B1 (adaptor related protein complex 4 subunit beta 1; minus strand), AP4B1-AS1 (AP4B1 antisense RNA 1; plus strand). Cytogenetic location: 1p13.2.
Variant type: single nucleotide variant.
Coding change: c.1624C>T on transcript NM_001253852.3 (MANE Select); coding-DNA position 1624, C replaced by T.
Protein change: p.Leu542Phe; replaces leucine 542 with phenylalanine.
Molecular consequence: missense variant.
Genome position (GRCh38, 1-based): chr1:113,895,925, G>A on the plus strand (C>T on the coding strand, the complement: AP4B1 is on the minus strand). VCF-style: chr1-113895925-G-A. GRCh37 (hg19) VCF-style: chr1-114438547-G-A.
Other names: c.1327C>T, p.Leu443Phe (NM_001253853.3); c.1120C>T, p.Leu374Phe (NM_001308312.2); c.1624C>T, p.Leu542Phe (NM_006594.5); short protein forms L443F, L542F, L374F.
Identifiers: ClinVar variation 1776664 (VCV001776664.2), dbSNP rs939158623, ClinGen allele CA28995148.
Genomic context (GRCh38, chr1:113,895,925, plus strand): 5'-TGTTGAAGTCTGAGGCCCAGCTATTCACAGGTCTTTCTGCCGGATCCTCCAAAAGTCCAA[G>A]AGTAGGGTCAGATTTAGGGCTACACAGAATCCGCTTAACTTCATCAATGCCAACTAAGAG-3'
Protein context (NP_001240781.1, residues 532-552): ILCSPKSDPT[Leu542Phe]GLLEDPAERP